The following is an entry in ClinVar:

NM_000132.4(F8):c.5954G>A (p.Arg1985Gln)

Gene: F8 (coagulation factor VIII; minus strand). Cytogenetic location: Xq28.
Variant type: single nucleotide variant.
Coding change: c.5954G>A on transcript NM_000132.4 (MANE Select); coding-DNA position 5954, G replaced by A.
Protein change: p.Arg1985Gln; replaces arginine 1985 with glutamine.
Molecular consequence: missense variant.
Genome position (GRCh38, 1-based): chrX:154,903,950, C>T on the plus strand (G>A on the coding strand, the complement: F8 is on the minus strand). VCF-style: chrX-154903950-C-T. GRCh37 (hg19) VCF-style: chrX-154132225-C-T.
Other names: short protein forms R1985Q.
Identifiers: ClinVar variation 618098 (VCV000618098.23), dbSNP rs1490417405, ClinGen allele CA414905715.

ClinVar aggregate classification (germline): Pathogenic/Likely pathogenic. Review status: criteria provided, multiple submitters, no conflicts (2 of 4 stars). 8 submissions from 8 submitters: Pathogenic (3); Likely pathogenic (3). 2 of the submissions do not count toward it. Last evaluated 2025-08-18.

Conditions:
Hereditary factor IX deficiency disease (HEMB). Also called: Hemophilia B; F9 DEFICIENCY; FACTOR IX DEFICIENCY; PLASMA THROMBOPLASTIN COMPONENT DEFICIENCY; Christmas Disease. Identifiers: Orphanet 98879, MedGen C0008533, MeSH D002836, MONDO:0010604, OMIM 306900.
Hereditary factor VIII deficiency disease (HEMA). Also called: Hemophilia A, congenital; HEM A; Factor 8 deficiency, congenital; HEMOPHILIA, CLASSIC; Hemophilia A; AUTOSOMAL HEMOPHILIA A. Identifiers: Orphanet 98878, MedGen C0019069, MONDO:0010602, OMIM 306700.

Allele frequency attached by ClinVar (database versions not stated): gnomAD 0.00001; gnomAD exomes 0.00001.
gnomAD v4.1: 12 of 1,207,243 alleles (0.00099%); highest among the groups gnomAD compares: Non-Finnish European, 0.0012%; no homozygotes.

Submissions (8):

Mayo Clinic Laboratories, Mayo Clinic
Classification: Likely pathogenic. Last evaluated: 2025-08-18. Review status: criteria provided, single submitter. Criteria: ACMG Guidelines, 2015. Collection method: clinical testing. Allele origin: germline. Observed: 5 variant alleles.
Comment: PP5, PM2_moderate, PS4_moderate

GeneDx
Classification: Likely pathogenic. Last evaluated: 2025-06-13. Review status: criteria provided, single submitter. Criteria: GeneDx Variant Classification Process June 2021. Collection method: clinical testing. Allele origin: germline. Affected: yes.
Comment: Not observed at significant frequency in large population cohorts (gnomAD); In silico analysis suggests that this missense variant does not alter protein structure/function; Also known as p.Arg1966Gln; This variant is associated with the following publications: (PMID: 11442643, 18691168, 16128892, 11858487, 9886318, 16268489, 11857744, 16769589, 15921397, 31064749, 35014236, 36007526, 33245802, 19473423, 33254277)

Women's Health and Genetics/Laboratory Corporation of America, LabCorp
Classification: Pathogenic for Hereditary factor VIII deficiency disease. Last evaluated: 2024-10-30. Review status: criteria provided, single submitter. Criteria: LabCorp Variant Classification Summary - May 2015. Collection method: clinical testing. Allele origin: germline.
Comment: Variant summary: F8 c.5954G>A (p.Arg1985Gln) results in a conservative amino acid change located in the Multicopper oxidase, C-terminal domain (IPR011706) of the encoded protein sequence. Three of five in-silico tools predict a benign effect of the variant on protein function. The variant allele was found at a frequency of 5.5e-06 in 182940 control chromosomes. c.5954G>A has been reported in the literature in the presumed hemizygous state in multiple individuals affected with Factor VIII Deficiency (Hemophilia A) (example, Fernandez-Lopez_2005, Shinozawa_2021). These data indicate that the variant is very likely to be associated with disease. To our knowledge, no experimental evidence demonstrating an impact on protein function has been reported. The following publications have been ascertained in the context of this evaluation (PMID: 15921397, 33254277). ClinVar contains an entry for this variant (Variation ID: 618098). Based on the evidence outlined above, the variant was classified as pathogenic.

ARUP Laboratories, Molecular Genetics and Genomics, ARUP Laboratories
Classification: Pathogenic. Last evaluated: 2022-10-18. Review status: criteria provided, single submitter. Criteria: ARUP Molecular Germline Variant Investigation Process 2021. Collection method: clinical testing. Allele origin: germline.
Comment: The F8 c.5954G>A; p.Arg1985Gln variant, also known as Arg1966Gln for legacy nomenclature, is reported in the literature in multiple individuals affected with mild hemophilia A (David 2006, Fernandez-Lopez 2005, Green 2008, Jayandharan 2005, Liu 1998, Liu 2002, Theophilus 2001). This variant is reported in ClinVar (Variation ID: 618098), and is only observed on one allele in the Genome Aggregation Database, indicating it is not a common polymorphism. The arginine at codon 1985 is highly conserved, but computational analyses are uncertain whether this variant is neutral or deleterious (REVEL: 0.687). Based on available information, this variant is considered to be pathogenic for mild hemophilia A. References: Factor VIII database: David D et al. The spectrum of mutations and molecular pathogenesis of hemophilia A in 181 Portuguese patients. Haematologica. 2006; 91(6):840-3. PMID: 16769589. Fernandez-Lopez O et al. The spectrum of mutations in Southern Spanish patients with hemophilia A and identification of 28 novel mutations. Haematologica. 2005; 90(5):707-10. PMID: 15921397. Green P et al. Haemophilia A mutations in the UK: results of screening one-third of the population. Br J Haematol. 2008; 143(1):115-28. PMID: 18691168. Jayandharan G et al. Identification of factor VIII gene mutations in 101 patients with haemophilia A: mutation analysis by inversion screening and multiplex PCR and CSGE and molecular modelling of 10 novel missense substitutions. Haemophilia. 2005; 11(5):481-91. PMID: 16128892. Liu M et al. A domain mutations in 65 haemophilia A families and molecular modelling of dysfunctional factor VIII proteins. Br J Haematol. 1998; 103(4):1051-60. PMID: 9886318. Liu M et al. Non-inversion factor VIII mutations in 80 hemophilia A families including 24 with alloimmune responses. Thromb Haemost. 2002; 87(2):273-6. PMID: 11858487. Theophilus B et al. Site and type of mutations in the factor VIII gene in patients and carriers of haemophilia A. Haemophilia. 2001; 7(4):381-91. PMID: 11442643.

Genetics and Molecular Pathology, SA Pathology
Classification: Likely pathogenic for Hereditary factor VIII deficiency disease. Last evaluated: 2020-06-23. Review status: criteria provided, single submitter. Criteria: ACMG Guidelines, 2015. Collection method: clinical testing. Allele origin: germline. Inheritance: X-linked recessive inheritance. Affected: yes.

NIHR Bioresource Rare Diseases, University of Cambridge
Classification: Pathogenic for Hereditary factor IX deficiency disease. Last evaluated: 2019-02-01. Review status: criteria provided, single submitter. Criteria: ACMG Guidelines, 2015. Collection method: research. Allele origin: unknown. Affected: yes. Observed: 1 hemizygote. Study: ThromboGenomics.

Genome Diagnostics Laboratory, University Medical Center Utrecht
Classification: Pathogenic. Review status: no assertion criteria provided. Collection method: clinical testing. Allele origin: germline. Affected: yes. Study: VKGL Data-share Consensus. Not counted in ClinVar's aggregate classification.

Joint Genome Diagnostic Labs from Nijmegen and Maastricht, Radboudumc and MUMC+
Classification: Pathogenic. Review status: no assertion criteria provided. Collection method: clinical testing. Allele origin: germline. Affected: yes. Study: VKGL Data-share Consensus. Not counted in ClinVar's aggregate classification.

Literature cited by the submitters: PubMed 11442643 (cited by Mayo Clinic Laboratories, Mayo Clinic); PubMed 11858487 (cited by Mayo Clinic Laboratories, Mayo Clinic); PubMed 15921397 (cited by Mayo Clinic Laboratories, Mayo Clinic and Women's Health and Genetics/Laboratory Corporation of America, LabCorp); PubMed 16128892 (cited by Mayo Clinic Laboratories, Mayo Clinic); PubMed 16268489 (cited by Mayo Clinic Laboratories, Mayo Clinic); PubMed 16769589 (cited by Mayo Clinic Laboratories, Mayo Clinic); PubMed 18691168 (cited by Mayo Clinic Laboratories, Mayo Clinic); PubMed 31064749 (cited by Mayo Clinic Laboratories, Mayo Clinic and NIHR Bioresource Rare Diseases, University of Cambridge); PubMed 33245802 (cited by Mayo Clinic Laboratories, Mayo Clinic); PubMed 35014236 (cited by Mayo Clinic Laboratories, Mayo Clinic); PubMed 36007526 (cited by Mayo Clinic Laboratories, Mayo Clinic); PubMed 9886318 (cited by Mayo Clinic Laboratories, Mayo Clinic); PubMed 33254277 (cited by Women's Health and Genetics/Laboratory Corporation of America, LabCorp).